The following is an entry in ClinVar:

ClinVar aggregate classification (germline): Uncertain significance (1 of 4 stars; one submission).

Allele frequency attached by ClinVar (database versions not stated): TOPMed below 0.00001.

Submission:

Labcorp Genetics (formerly Invitae), Labcorp
Classification: Uncertain significance. Last evaluated: 2021-12-02. Review status: criteria provided, single submitter. Criteria: Invitae Variant Classification Sherloc (09022015). Collection method: clinical testing. Allele origin: germline.
Comment: Advanced modeling of protein sequence and biophysical properties (such as structural, functional, and spatial information, amino acid conservation, physicochemical variation, residue mobility, and thermodynamic stability) performed at Invitae indicates that this missense variant is expected to disrupt LRP2 protein function. This sequence change replaces aspartic acid, which is acidic and polar, with valine, which is neutral and non-polar, at codon 1864 of the LRP2 protein (p.Asp1864Val). This variant is not present in population databases (gnomAD no frequency). This variant has not been reported in the literature in individuals affected with LRP2-related conditions. In summary, the available evidence is currently insufficient to determine the role of this variant in disease. Therefore, it has been classified as a Variant of Uncertain Significance.

NM_004525.3(LRP2):c.5591A>T (p.Asp1864Val)

Gene: LRP2 (LDL receptor related protein 2; minus strand). Cytogenetic location: 2q31.1.
Variant type: single nucleotide variant.
Coding change: c.5591A>T on transcript NM_004525.3 (MANE Select); coding-DNA position 5591, A replaced by T.
Protein change: p.Asp1864Val; replaces aspartic acid 1864 with valine.
Molecular consequence: missense variant.
Genome position (GRCh38, 1-based): chr2:169,220,511, T>A on the plus strand (A>T on the coding strand, the complement: LRP2 is on the minus strand). VCF-style: chr2-169220511-T-A. GRCh37 (hg19) VCF-style: chr2-170077021-T-A.
Other names: short protein forms D1864V.
Identifiers: ClinVar variation 1376996 (VCV001376996.6), dbSNP rs1688952784, ClinGen allele CA349137977.